The following is an entry in ClinVar:

NM_013247.5(HTRA2):c.64G>A (p.Gly22Ser)

Gene: HTRA2 (HtrA serine peptidase 2; plus strand). Cytogenetic location: 2p13.1.
Variant type: single nucleotide variant.
Coding change: c.64G>A on transcript NM_013247.5 (MANE Select); coding-DNA position 64, G replaced by A.
Protein change: p.Gly22Ser; replaces glycine 22 with serine.
Molecular consequence: missense variant. On other transcripts: non-coding transcript variant (1).
Genome position (GRCh38, 1-based): chr2:74,530,070, G>A. VCF-style: chr2-74530070-G-A. GRCh37 (hg19) VCF-style: chr2-74757197-G-A.
Other names: p.Gly22Ser; c.64G>A, p.Gly22Ser (NM_001321727.1, NM_001321728.1, NM_145074.2); short protein forms G22S.
Identifiers: ClinVar variation 1941845 (VCV001941845.4), dbSNP rs1398042174, ClinGen allele CA347375541.
Genomic context (GRCh38, chr2:74,530,070, plus strand): 5'-GCTGCGCCGAGGGCGGGGCGGGGTGCAGGCTGGAGCCTTCGGGCATGGCGGGCTTTGGGG[G>A]GCATTCGCTGGGGGAGGAGACCCCGTTTGACCCCTGACCTCCGGGCCCTGCTGACGTCAG-3'
Protein context (NP_037379.1, residues 12-32): WSLRAWRALG[Gly22Ser]IRWGRRPRLT

ClinVar aggregate classification (germline): Uncertain significance. Review status: criteria provided, multiple submitters, no conflicts (2 of 4 stars). 3 submissions from 3 submitters: Uncertain significance (3). Last evaluated 2025-11-02.

Conditions:
HTRA2-related disorder. Also called: HTRA2-related condition.

Allele frequency attached by ClinVar (database versions not stated): gnomAD exomes 0.00001; gnomAD 0.00002; TOPMed below 0.00001.
gnomAD v4.1: 6 of 1,591,242 alleles (0.00038%); highest among the groups gnomAD compares: African/African-American, 0.004%; no homozygotes.

Submissions (3):

Mayo Clinic Laboratories, Mayo Clinic
Classification: Uncertain significance. Last evaluated: 2025-11-02. Review status: criteria provided, single submitter. Criteria: ACMG Guidelines, 2015. Collection method: clinical testing. Allele origin: germline. Observed: 1 variant allele.
Comment: BP4

PreventionGenetics, part of Exact Sciences
Classification: Uncertain significance for HTRA2-related condition. Last evaluated: 2023-06-09. Review status: criteria provided, single submitter. Criteria: ACMG Guidelines, 2015. Collection method: clinical testing. Allele origin: germline.
Comment: The HTRA2 c.64G>A variant is predicted to result in the amino acid substitution p.Gly22Ser. To our knowledge, this variant has not been reported in the literature or in a large population database, indicating this variant is rare. At this time, the clinical significance of this variant is uncertain due to the absence of conclusive functional and genetic evidence.

Labcorp Genetics (formerly Invitae), Labcorp
Classification: Uncertain significance. Last evaluated: 2022-05-03. Review status: criteria provided, single submitter. Criteria: Invitae Variant Classification Sherloc (09022015). Collection method: clinical testing. Allele origin: germline.
Comment: This sequence change replaces glycine, which is neutral and non-polar, with serine, which is neutral and polar, at codon 22 of the HTRA2 protein (p.Gly22Ser). This variant is not present in population databases (gnomAD no frequency). This variant has not been reported in the literature in individuals affected with HTRA2-related conditions. Algorithms developed to predict the effect of missense changes on protein structure and function are either unavailable or do not agree on the potential impact of this missense change (SIFT: "Tolerated"; PolyPhen-2: "Probably Damaging"; Align-GVGD: "Class C0"). In summary, the available evidence is currently insufficient to determine the role of this variant in disease. Therefore, it has been classified as a Variant of Uncertain Significance.